The following is an entry in ClinVar:

ClinVar aggregate classification (germline): Likely pathogenic. Review status: criteria provided, multiple submitters, no conflicts (2 of 4 stars). 3 submissions from 3 submitters: Likely pathogenic (3). Last evaluated 2025-09-05.

Conditions:
X-linked Alport syndrome (ATS1). Also called: COL4A5-Related Nephropathy; NEPHROPATHY AND DEAFNESS, X-LINKED. Identifiers: Orphanet 63, Orphanet 88917, MedGen C4746986, MONDO:0010520, OMIM 301050.

gnomAD v4.1: 1 of 1,211,387 alleles (0.000083%); highest among the groups gnomAD compares: Non-Finnish European, 0.00011%; no homozygotes.

Submissions (3):

Natera, Inc.
Classification: Likely pathogenic for X-linked Alport syndrome. Last evaluated: 2025-09-05. Review status: criteria provided, single submitter. Criteria: Natera Variant Classification Schema (03/2026). Collection method: clinical testing. Allele origin: germline.
Comment: The c.2794G>A variant in COL4A5 is a missense variant predicted to cause substitution of glycine to arginine at amino acid 932. This variant is rare in the general population with a frequency below the threshold expected for the associated phenotype(s). This variant is located in a functionally critical region of the protein. Computational prediction algorithms indicate this variant is likely to affect gene or protein function. Given the available evidence, this variant is classified as Likely Pathogenic.

Fulgent Genetics
Classification: Likely pathogenic for X-linked Alport syndrome. Last evaluated: 2022-03-05. Review status: criteria provided, single submitter. Criteria: ACMG Guidelines, 2015. Collection method: clinical testing. Allele origin: unknown.

Labcorp Genetics (formerly Invitae), Labcorp
Classification: Likely pathogenic. Last evaluated: 2021-11-24. Review status: criteria provided, single submitter. Criteria: Invitae Variant Classification Sherloc (09022015). Collection method: clinical testing. Allele origin: germline.
Comment: This variant disrupts the triple helix domain of COL4A5. Glycine residues within the Gly-Xaa-Yaa repeats of the triple helix domain are required for the structure and stability of fibrillar collagens (PMID: 7695699, 8218237, 19344236). In COL4A5, missense variants at these glycine residues are significantly enriched in individuals with disease (PMID: 23720012, 27627812) compared to the general population (ExAC). In summary, the currently available evidence indicates that the variant is pathogenic, but additional data are needed to prove that conclusively. Therefore, this variant has been classified as Likely Pathogenic. Advanced modeling of protein sequence and biophysical properties (such as structural, functional, and spatial information, amino acid conservation, physicochemical variation, residue mobility, and thermodynamic stability) performed at Invitae indicates that this missense variant is expected to disrupt COL4A5 protein function. This sequence change replaces glycine, which is neutral and non-polar, with arginine, which is basic and polar, at codon 932 of the COL4A5 protein (p.Gly932Arg). This variant is not present in population databases (gnomAD no frequency). This variant has not been reported in the literature in individuals affected with COL4A5-related conditions.

Literature cited by the submitters: PubMed 7695699 (cited by Labcorp Genetics (formerly Invitae), Labcorp); PubMed 8218237 (cited by Labcorp Genetics (formerly Invitae), Labcorp); PubMed 19344236 (cited by Labcorp Genetics (formerly Invitae), Labcorp); PubMed 23720012 (cited by Labcorp Genetics (formerly Invitae), Labcorp); PubMed 27627812 (cited by Labcorp Genetics (formerly Invitae), Labcorp).

NM_033380.3(COL4A5):c.2794G>A (p.Gly932Arg)

Gene: COL4A5 (collagen type IV alpha 5 chain; plus strand). Cytogenetic location: Xq22.3.
Variant type: single nucleotide variant.
Coding change: c.2794G>A on transcript NM_033380.3 (MANE Select); coding-DNA position 2794, G replaced by A.
Protein change: p.Gly932Arg; replaces glycine 932 with arginine.
Molecular consequence: missense variant.
Genome position (GRCh38, 1-based): chrX:108,622,702, G>A. VCF-style: chrX-108622702-G-A. GRCh37 (hg19) VCF-style: chrX-107865932-G-A.
Other names: c.2794G>A (NM_000495.4); c.2794G>A, p.Gly932Arg (NM_000495.5); short protein forms G932R.
Identifiers: ClinVar variation 1520447 (VCV001520447.8), dbSNP rs2147865597, ClinGen allele CA413852608.